The following is an entry in ClinVar:

NM_000297.4(PKD2):c.1283T>C (p.Val428Ala)

Gene: PKD2 (polycystin 2, transient receptor potential cation channel; plus strand). Cytogenetic location: 4q22.1.
Variant type: single nucleotide variant.
Coding change: c.1283T>C on transcript NM_000297.4 (MANE Select); coding-DNA position 1283, T replaced by C.
Protein change: p.Val428Ala; replaces valine 428 with alanine.
Molecular consequence: missense variant. On other transcripts: non-coding transcript variant (1).
Genome position (GRCh38, 1-based): chr4:88,043,421, T>C. VCF-style: chr4-88043421-T-C. GRCh37 (hg19) VCF-style: chr4-88964573-T-C.
Other names: short protein forms V428A.
Identifiers: ClinVar variation 2707806 (VCV002707806.3), dbSNP rs1369969750, ClinGen allele CA357616211.

ClinVar aggregate classification (germline): Uncertain significance (1 of 4 stars; one submission).

Conditions:
Autosomal dominant polycystic kidney disease. Identifiers: Orphanet 730, MedGen C0085413, MONDO:0004691.

Allele frequency attached by ClinVar (database versions not stated): TOPMed below 0.00001; gnomAD 0.00001.
gnomAD v4.1: 2 of 1,613,740 alleles (0.00012%); highest among the groups gnomAD compares: Non-Finnish European, 0.00017%; no homozygotes.

Submission:

Labcorp Genetics (formerly Invitae), Labcorp
Classification: Uncertain significance for Autosomal dominant polycystic kidney disease. Last evaluated: 2023-06-10. Review status: criteria provided, single submitter. Criteria: Invitae Variant Classification Sherloc (09022015). Collection method: clinical testing. Allele origin: germline.
Comment: This sequence change replaces valine, which is neutral and non-polar, with alanine, which is neutral and non-polar, at codon 428 of the PKD2 protein (p.Val428Ala). This variant is not present in population databases (gnomAD no frequency). This variant has not been reported in the literature in individuals affected with PKD2-related conditions. In summary, the available evidence is currently insufficient to determine the role of this variant in disease. Therefore, it has been classified as a Variant of Uncertain Significance. Advanced modeling of protein sequence and biophysical properties (such as structural, functional, and spatial information, amino acid conservation, physicochemical variation, residue mobility, and thermodynamic stability) performed at Invitae indicates that this missense variant is not expected to disrupt PKD2 protein function.